The following is an entry in ClinVar:

NM_000135.4(FANCA):c.190-287G>A

Gene: FANCA (FA complementation group A; minus strand). Cytogenetic location: 16q24.3.
Variant type: single nucleotide variant.
Coding change: c.190-287G>A on transcript NM_000135.4 (MANE Select); 287 bases into the intron before coding-DNA position 190, G replaced by A.
Molecular consequence: intron variant.
Genome position (GRCh38, 1-based): chr16:89,814,900, C>T on the plus strand (G>A on the coding strand, the complement: FANCA is on the minus strand). VCF-style: chr16-89814900-C-T. GRCh37 (hg19) VCF-style: chr16-89881308-C-T.
Other names: c.190-287G>A (NM_001286167.3, NM_001351830.2, NM_001018112.3).
Identifiers: ClinVar variation 1804508 (VCV001804508.1), dbSNP rs78690507, ClinGen allele CA286611405.

ClinVar aggregate classification (germline): Likely benign (1 of 4 stars; one submission).

Allele frequency attached by ClinVar (database versions not stated): 1000 Genomes Project 0.00459; gnomAD 0.00560; 1000 Genomes Project 30x 0.00562; TOPMed 0.00637.
gnomAD v4.1: 839 of 152,000 alleles (0.55%); highest among the groups gnomAD compares: African/African-American, 2%; 6 homozygotes.

Submission:

GeneDx
Classification: Likely benign. Last evaluated: 2019-07-26. Review status: criteria provided, single submitter. Criteria: GeneDx Variant Classification Process June 2021. Collection method: clinical testing. Allele origin: germline. Affected: yes.
Comment: See Variant Classification Assertion Criteria.